The following is an entry in ClinVar:

NM_001005242.3(PKP2):c.173dup (p.Gln59fs)

Gene: PKP2 (plakophilin 2; minus strand). Cytogenetic location: 12p11.21.
Variant type: Duplication.
Coding change: c.173dup on transcript NM_001005242.3 (MANE Select); coding-DNA position 173, one base duplicated (A; older notation c.173dupA).
Protein change: p.Gln59fs; shifts the reading frame from glutamine 59.
Molecular consequence: frameshift variant.
Genome position (GRCh38, 1-based): chr12:32,896,559, T duplicated on the plus strand (A on the coding strand, the reverse complement: PKP2 is on the minus strand). VCF-style (leftmost placement, unchanged base first): chr12-32896558-C-CT. GRCh37 (hg19) VCF-style: chr12-33049492-C-CT.
Other names: c.173dup, p.Gln59Alafs (NM_001407155.1, NM_001407156.1, NM_001407157.1 and 1 more transcripts); c.-654dup (NM_001407158.1, NM_001407162.1); c.-418dup (NM_001407159.1, NM_001407160.1); c.173dup, p.Gln59fs (NM_004572.4); short protein forms Q59fs.
Identifiers: ClinVar variation 2100084 (VCV002100084.4), dbSNP rs2541384294, ClinGen allele CA2580085397.
Genomic context (GRCh38, chr12:32,896,558, plus strand): 5'-GCTCCACTCACCGTTGCCCACGGAGCTGCGGCCCTTCCGGGCGAGGGTCTGCTGCACCTG[C>CT]TCCTGGATCCGCAGGCTCTTGACTGTCTGGCCGCCGCGGCCGCTGCTCCCCGCCAGCTTC-3'

ClinVar aggregate classification (germline): Pathogenic (1 of 4 stars; one submission).

Conditions:
Arrhythmogenic right ventricular dysplasia 9 (ARVD9). Also called: Arrhythmogenic Right Ventricular Dysplasia/Cardiomyopathy 9; ARRHYTHMOGENIC RIGHT VENTRICULAR DYSPLASIA, FAMILIAL, 9. Identifiers: MedGen C1836906, MONDO:0012180, OMIM 609040.

Submission:

Labcorp Genetics (formerly Invitae), Labcorp
Classification: Pathogenic for Arrhythmogenic right ventricular dysplasia 9. Last evaluated: 2022-02-20. Review status: criteria provided, single submitter. Criteria: Invitae Variant Classification Sherloc (09022015). Collection method: clinical testing. Allele origin: germline.
Comment: This variant is not present in population databases (gnomAD no frequency). This sequence change creates a premature translational stop signal (p.Gln59Alafs*27) in the PKP2 gene. It is expected to result in an absent or disrupted protein product. Loss-of-function variants in PKP2 are known to be pathogenic (PMID: 15489853, 23911551). This variant has not been reported in the literature in individuals affected with PKP2-related conditions. For these reasons, this variant has been classified as Pathogenic.

Literature cited by the submitters: PubMed 15489853; PubMed 23911551.